The following is an entry in ClinVar:

ClinVar aggregate classification (germline): Uncertain significance (1 of 4 stars; one submission).

Conditions:
Tumor predisposition syndrome 3 (TPDS3). Also called: Melanoma, cutaneous malignant, susceptibility to, 10; Glioma susceptibility 9; LONG TELOMERE SYNDROME, POT1-RELATED; POT1 Tumor Predisposition. Identifiers: Orphanet 618, MedGen C4014476, MONDO:0014368, OMIM 615848.

Submission:

Labcorp Genetics (formerly Invitae), Labcorp
Classification: Uncertain significance for Tumor predisposition syndrome 3. Last evaluated: 2025-08-25. Review status: criteria provided, single submitter. Criteria: Invitae Variant Classification Sherloc (09022015). Collection method: clinical testing. Allele origin: germline.
Comment: This sequence change replaces isoleucine, which is neutral and non-polar, with serine, which is neutral and polar, at codon 86 of the POT1 protein (p.Ile86Ser). This variant is not present in population databases (gnomAD no frequency). This variant has not been reported in the literature in individuals affected with POT1-related conditions. An algorithm developed to predict the effect of missense changes on protein structure and function (PolyPhen-2) suggests that this variant is likely to be disruptive. In summary, the available evidence is currently insufficient to determine the role of this variant in disease. Therefore, it has been classified as a Variant of Uncertain Significance.

NM_015450.3(POT1):c.257T>G (p.Ile86Ser)

Gene: POT1 (protection of telomeres 1; minus strand). Cytogenetic location: 7q31.33.
Variant type: single nucleotide variant.
Coding change: c.257T>G on transcript NM_015450.3 (MANE Select); coding-DNA position 257, T replaced by G.
Protein change: p.Ile86Ser; replaces isoleucine 86 with serine.
Molecular consequence: missense variant. On other transcripts: 5 prime UTR variant (1), non-coding transcript variant (3).
Genome position (GRCh38, 1-based): chr7:124,863,639, A>C on the plus strand (T>G on the coding strand, the complement: POT1 is on the minus strand). VCF-style: chr7-124863639-A-C. GRCh37 (hg19) VCF-style: chr7-124503693-A-C.
Other names: c.-137T>G (NM_001042594.2); short protein forms I86S.
Identifiers: ClinVar variation 4725988 (VCV004725988.1).